The following is an entry in ClinVar:

NM_001148.6(ANK2):c.5213G>C (p.Gly1738Ala)

Genes: ANK2 (ankyrin 2; plus strand), LOC126807136 (MED14-independent group 3 enhancer GRCh37_chr4:114274931-114276130; plus strand). Cytogenetic location: 4q26.
Variant type: single nucleotide variant.
Coding change: c.5213G>C on transcript NM_001148.6 (MANE Select); coding-DNA position 5213, G replaced by C.
Protein change: p.Gly1738Ala; replaces glycine 1738 with alanine.
Molecular consequence: missense variant. On other transcripts: intron variant (68).
Genome position (GRCh38, 1-based): chr4:113,353,831, G>C. VCF-style: chr4-113353831-G-C. GRCh37 (hg19) VCF-style: chr4-114274987-G-C.
Other names: c.4979G>C, p.Gly1660Ala (NM_001386142.1); c.1613G>C, p.Gly538Ala (NM_001386166.1); c.5354G>C, p.Gly1785Ala (NM_001386174.1); c.5330G>C, p.Gly1777Ala (NM_001386175.1); c.4411+3582G>C (NM_001386186.2, NM_001386148.2); c.4213+3582G>C (NM_001354269.3); c.4291+3582G>C (NM_001386187.2); c.4252+3582G>C (NM_001386147.1); and 35 more; short protein forms G1660A, G1738A, G1777A, G1785A, G538A.
Identifiers: ClinVar variation 1320351 (VCV001320351.2), dbSNP rs145546655, ClinGen allele CA3051187.

ClinVar aggregate classification (germline): Uncertain significance (1 of 4 stars; one submission).

Allele frequency attached by ClinVar (database versions not stated): ExAC 0.00001.
gnomAD v4.1: 1 of 1,614,030 alleles (0.000062%); highest among the groups gnomAD compares: East Asian, 0.0022%; no homozygotes.

Submission:

GeneDx
Classification: Uncertain significance. Last evaluated: 2020-06-16. Review status: criteria provided, single submitter. Criteria: GeneDx Variant Classification Process June 2021. Collection method: clinical testing. Allele origin: germline. Affected: yes.
Comment: Not observed at a significant frequency in large population cohorts (Lek et al., 2016); In silico analysis supports that this missense variant does not alter protein structure/function; Has not been previously published as pathogenic or benign to our knowledge